The following is an entry in ClinVar:

ClinVar aggregate classification (germline): Conflicting classifications of pathogenicity. Review status: criteria provided, conflicting classifications (1 of 4 stars). 3 submissions from 3 submitters: Uncertain significance (2); Likely benign (1). Last evaluated 2023-03-23.

Conditions:
Hereditary cancer-predisposing syndrome. Also called: Tumor predisposition; Hereditary neoplastic syndrome; Neoplastic Syndromes, Hereditary; Hereditary Cancer Syndrome. Identifiers: Orphanet 140162, MedGen C0027672, MeSH D009386, MONDO:0015356.
Hereditary breast ovarian cancer syndrome. Also called: BRCA1- and BRCA2-Associated Hereditary Breast and Ovarian Cancer; Hereditary breast and ovarian cancer; Hereditary breast and/or ovarian cancer syndrome; Hereditary breast and ovarian cancer syndrome; Hereditary breast and ovarian cancer syndrome (HBOC); Breast and ovarian cancer. Identifiers: Orphanet 145, MedGen C0677776, MeSH D061325, MONDO:0003582. Disease mechanism: loss of function.

gnomAD v4.1: 1 of 1,613,082 alleles (0.000062%); highest among the groups gnomAD compares: Non-Finnish European, 0.000085%; no homozygotes.

Submissions (3):

University of Washington Department of Laboratory Medicine, University of Washington
Classification: Likely benign for Hereditary cancer-predisposing syndrome. Last evaluated: 2023-03-23. Review status: criteria provided, single submitter. Criteria: Dines et al. (Genet Med. 2020). Collection method: curation. Allele origin: germline.
Comment: Missense variant in a coldspot region where missense variants are very unlikely to be pathogenic (PMID:31911673).

BRCA2 exon 11 coldspot. Reclassification based on statistical prior probability.

GeneDx
Classification: Uncertain significance. Last evaluated: 2022-11-08. Review status: criteria provided, single submitter. Criteria: GeneDx Variant Classification Process June 2021. Collection method: clinical testing. Allele origin: germline. Affected: yes.
Comment: Not observed at significant frequency in large population cohorts (gnomAD); In silico analysis supports that this missense variant has a deleterious effect on protein structure/function; Has not been previously published as pathogenic or benign to our knowledge; Also known as 6414T>A; This variant is associated with the following publications: (PMID: 9002670, 22193408)

Labcorp Genetics (formerly Invitae), Labcorp
Classification: Uncertain significance for Hereditary breast ovarian cancer syndrome. Last evaluated: 2020-12-17. Review status: criteria provided, single submitter. Criteria: Invitae Variant Classification Sherloc (09022015). Collection method: clinical testing. Allele origin: germline.
Comment: This sequence change replaces serine with arginine at codon 2062 of the BRCA2 protein (p.Ser2062Arg). The serine residue is moderately conserved and there is a moderate physicochemical difference between serine and arginine. In summary, the available evidence is currently insufficient to determine the role of this variant in disease. Therefore, it has been classified as a Variant of Uncertain Significance. Advanced modeling of protein sequence and biophysical properties (such as structural, functional, and spatial information, amino acid conservation, physicochemical variation, residue mobility, and thermodynamic stability) performed at Invitae indicates that this missense variant is not expected to disrupt BRCA2 protein function. This variant has not been reported in the literature in individuals with BRCA2-related conditions. This variant is not present in population databases (ExAC no frequency).

NM_000059.4(BRCA2):c.6186T>A (p.Ser2062Arg)

Gene: BRCA2 (BRCA2 DNA repair associated; plus strand). Cytogenetic location: 13q13.1.
Variant type: single nucleotide variant.
Coding change: c.6186T>A on transcript NM_000059.4 (MANE Select); coding-DNA position 6186, T replaced by A.
Protein change: p.Ser2062Arg; replaces serine 2062 with arginine.
Molecular consequence: missense variant.
Genome position (GRCh38, 1-based): chr13:32,340,541, T>A. VCF-style: chr13-32340541-T-A. GRCh37 (hg19) VCF-style: chr13-32914678-T-A.
Other names: c.6186T>A (NM_000059.3); short protein forms S2062R.
Identifiers: ClinVar variation 1356972 (VCV001356972.10), dbSNP rs1315692124, ClinGen allele CA387788412.